The following is an entry in ClinVar:

ClinVar aggregate classification (germline): Conflicting classifications of pathogenicity. Review status: criteria provided, conflicting classifications (1 of 4 stars). 7 submissions from 6 submitters: Uncertain significance (1); Benign (1); Likely benign (5). Last evaluated 2026-07-01.

Conditions:
Emery-Dreifuss muscular dystrophy 4, autosomal dominant (EDMD4). Also called: EMERY-DREIFUSS MUSCULAR DYSTROPHY 4 WITH VARIABLE FEATURES. Identifiers: Orphanet 261, MedGen C2751807, MONDO:0013071, OMIM 612998.
Autosomal recessive ataxia, Beauce type. Also called: Spinocerebellar ataxia, autosomal recessive 8; SYNE1-Related Autosomal Recessive Cerebellar Ataxia; SYNE1 Deficiency; ATAXIA, RECESSIVE, OF BEAUCE. Identifiers: Orphanet 88644, MedGen C1853116, MONDO:0012549, OMIM 610743.

Allele frequency attached by ClinVar (database versions not stated): gnomAD 0.00007 and 0.00009; gnomAD exomes 0.00007 and 0.00033; TOPMed 0.00019; ExAC 0.00035; 1000 Genomes Project 30x 0.00047; 1000 Genomes Project 0.00060.
gnomAD v4.1: 113 of 1,614,184 alleles (0.007%); highest among the groups gnomAD compares: East Asian, 0.23%; no homozygotes.

Submissions (7):

CeGaT Center for Human Genetics Tuebingen
Classification: Uncertain significance. Last evaluated: 2026-07-01. Review status: criteria provided, single submitter. Criteria: CeGaT Center For Human Genetics Tuebingen Variant Classification Criteria Version 2. Collection method: clinical testing. Allele origin: germline. Affected: yes. Observed: 1 variant allele.
Comment: SYNE1: PM2, BP4

Labcorp Genetics (formerly Invitae), Labcorp
Classification: Likely benign for Emery-Dreifuss muscular dystrophy 4, autosomal dominant; Autosomal recessive ataxia, Beauce type. Last evaluated: 2025-01-06. Review status: criteria provided, single submitter. Criteria: Invitae Variant Classification Sherloc (09022015). Collection method: clinical testing. Allele origin: germline.

Blueprint Genetics
Classification: Likely benign. Last evaluated: 2024-11-18. Review status: criteria provided, single submitter. Criteria: ACMG Guidelines, 2015. Collection method: clinical testing. Allele origin: germline.

Illumina Laboratory Services, Illumina
Classification: Likely benign for Autosomal recessive ataxia, Beauce type. Last evaluated: 2018-01-13. Review status: criteria provided, single submitter. Criteria: ICSL Variant Classification Criteria 13 December 2019. Collection method: clinical testing. Allele origin: germline.
Comment: This variant was observed in the ICSL laboratory as part of a predisposition screen in an ostensibly healthy population. It had not been previously curated by ICSL or reported in the Human Gene Mutation Database (HGMD: prior to June 1st, 2018), and was therefore a candidate for classification through an automated scoring system. Utilizing variant allele frequency, disease prevalence and penetrance estimates, and inheritance mode, an automated score was calculated to assess if this variant is too frequent to cause the disease. Based on the score and internal cut-off values, a variant classified as likely benign is not then subjected to further curation. The score for this variant resulted in a classification of likely benign for this disease.

Illumina Laboratory Services, Illumina
Classification: Benign for Emery-Dreifuss muscular dystrophy 4, autosomal dominant. Last evaluated: 2018-01-13. Review status: criteria provided, single submitter. Criteria: ICSL Variant Classification Criteria 13 December 2019. Collection method: clinical testing. Allele origin: germline.
Comment: This variant was observed in the ICSL laboratory as part of a predisposition screen in an ostensibly healthy population. It had not been previously curated by ICSL or reported in the Human Gene Mutation Database (HGMD: prior to June 1st, 2018), and was therefore a candidate for classification through an automated scoring system. Utilizing variant allele frequency, disease prevalence and penetrance estimates, and inheritance mode, an automated score was calculated to assess if this variant is too frequent to cause the disease. Based on the score and internal cut-off values, a variant classified as benign is not then subjected to further curation. The score for this variant resulted in a classification of benign for this disease.

GeneDx
Classification: Likely benign. Last evaluated: 2017-04-10. Review status: criteria provided, single submitter. Criteria: GeneDx Variant Classification (06012015). Collection method: clinical testing. Allele origin: germline. Affected: yes.
Comment: This variant is considered likely benign or benign based on one or more of the following criteria: it is a conservative change, it occurs at a poorly conserved position in the protein, it is predicted to be benign by multiple in silico algorithms, and/or has population frequency not consistent with disease.

Breakthrough Genomics
Classification: Likely benign. Review status: criteria provided, single submitter. Criteria: ACMG Guidelines, 2015. Collection method: not provided. Allele origin: germline. Inheritance: Autosomal recessive inheritance. Affected: yes.

NM_182961.4(SYNE1):c.15469G>A (p.Glu5157Lys)

Gene: SYNE1 (spectrin repeat containing nuclear envelope protein 1; minus strand). Cytogenetic location: 6q25.2.
Variant type: single nucleotide variant.
Coding change: c.15469G>A on transcript NM_182961.4 (MANE Select); coding-DNA position 15469, G replaced by A.
Protein change: p.Glu5157Lys; replaces glutamic acid 5157 with lysine.
Molecular consequence: missense variant.
Genome position (GRCh38, 1-based): chr6:152,325,272, C>T on the plus strand (G>A on the coding strand, the complement: SYNE1 is on the minus strand). VCF-style: chr6-152325272-C-T. GRCh37 (hg19) VCF-style: chr6-152646407-C-T.
Other names: c.15256G>A, p.Glu5086Lys (NM_033071.5); short protein forms E5157K, E5086K.
Identifiers: ClinVar variation 355865 (VCV000355865.19), dbSNP rs187403476, ClinGen allele CA4055770.
Genomic context (GRCh38, chr6:152,325,272, plus strand): 5'-TGGCATCATTTCCGGTTTTCTCCAGTTGTGAAGCTTTTTCCTCAAGGGCCACAATTTTCT[C>T]ATGGAAAGAGTTAACCACTGACACTAAAGCCTAGGGTTGGGGGTGGAGGACGGAAGAGAG-3'
Protein context (NP_892006.3, residues 5147-5167): ALVSVVNSFH[Glu5157Lys]KIVALEEKAS